The following is an entry in ClinVar:

NM_002230.4(JUP):c.2059A>G (p.Ile687Val)

Gene: JUP (junction plakoglobin; minus strand). Cytogenetic location: 17q21.2.
Variant type: single nucleotide variant.
Coding change: c.2059A>G on transcript NM_002230.4 (MANE Select); coding-DNA position 2059, A replaced by G.
Protein change: p.Ile687Val; replaces isoleucine 687 with valine.
Molecular consequence: missense variant.
Genome position (GRCh38, 1-based): chr17:41,756,202, T>C on the plus strand (A>G on the coding strand, the complement: JUP is on the minus strand). VCF-style: chr17-41756202-T-C. GRCh37 (hg19) VCF-style: chr17-39912454-T-C.
Other names: c.2059A>G (NM_002230.3); c.2059A>G, p.Ile687Val (NM_001352773.2, NM_001352774.2, NM_001352775.2 and 3 more transcripts); short protein forms I687V.
Identifiers: ClinVar variation 45844 (VCV000045844.28), dbSNP rs138366708, ClinGen allele CA137173.

ClinVar aggregate classification (germline): Benign/Likely benign. Review status: criteria provided, multiple submitters, no conflicts (2 of 4 stars). 13 submissions from 13 submitters: Benign (2); Likely benign (8). 3 of the submissions do not count toward it. Last evaluated 2026-01-28.

Conditions:
Cardiomyopathy (CMYO). Also called: Cardiomyopathies. Identifiers: Orphanet 167848, MedGen C0878544, MONDO:0004994, HP:0001638. Inheritance: Various modes of inheritance.
Hypertrophic cardiomyopathy. Also called: HYPERTROPHIC MYOCARDIOPATHY. Identifiers: Orphanet 217569, MedGen C0007194, MeSH D002312, MONDO:0005045, HP:0001639.
JUP-related disorder. Also called: JUP-related condition.
Naxos disease (NXD). Also called: KERATOSIS PALMOPLANTARIS WITH ARRHYTHMOGENIC CARDIOMYOPATHY; MAL DE NAXOS; PALMOPLANTAR KERATODERMA WITH ARRHYTHMOGENIC RIGHT VENTRICULAR CARDIOMYOPATHY AND WOOLLY HAIR; WOOLLY HAIR, PALMOPLANTAR KERATODERMA, AND CARDIAC ABNORMALITIES; CARDIOMYOPATHY, ARRHYTHMOGENIC RIGHT VENTRICULAR, WITH SKIN, HAIR, AND NAIL ABNORMALITIES. Identifiers: Orphanet 34217, MedGen C1832600, MONDO:0011017, OMIM 601214.
Arrhythmogenic right ventricular dysplasia 12. Also called: ARRHYTHMOGENIC RIGHT VENTRICULAR DYSPLASIA, FAMILIAL, 12. Identifiers: MedGen C1969081, MONDO:0012684, OMIM 611528.

Allele frequency attached by ClinVar (database versions not stated): gnomAD exomes 0.00011 and 0.00024; ExAC 0.00031; gnomAD 0.00071 and 0.00074; TOPMed 0.00076; ESP Exome Variant Server 0.00100; 1000 Genomes Project 30x 0.00172; 1000 Genomes Project 0.00220.
gnomAD v4.1: 288 of 1,613,902 alleles (0.018%); highest among the groups gnomAD compares: African/African-American, 0.31%; 2 homozygotes.

Submissions (13):

Labcorp Genetics (formerly Invitae), Labcorp
Classification: Likely benign for Arrhythmogenic right ventricular dysplasia 12; Naxos disease. Last evaluated: 2026-01-28. Review status: criteria provided, single submitter. Criteria: Invitae Variant Classification Sherloc (09022015). Collection method: clinical testing. Allele origin: germline.

Molecular Diagnostic Laboratory for Inherited Cardiovascular Disease, Montreal Heart Institute
Classification: Likely benign. Last evaluated: 2025-07-24. Review status: criteria provided, single submitter. Criteria: ACMG Guidelines, 2015. Collection method: clinical testing. Allele origin: germline. Affected: no.
Comment: BS1;BP4

Women's Health and Genetics/Laboratory Corporation of America, LabCorp
Classification: Likely benign. Last evaluated: 2024-07-21. Review status: criteria provided, single submitter. Criteria: LabCorp Variant Classification Summary - May 2015. Collection method: clinical testing. Allele origin: germline.

ARUP Laboratories, Molecular Genetics and Genomics, ARUP Laboratories
Classification: Likely benign. Last evaluated: 2023-12-07. Review status: criteria provided, single submitter. Criteria: ARUP Molecular Germline Variant Investigation Process 2024. Collection method: clinical testing. Allele origin: germline.

Blueprint Genetics
Classification: Likely benign. Last evaluated: 2022-12-21. Review status: criteria provided, single submitter. Criteria: ACMG Guidelines, 2015. Collection method: clinical testing. Allele origin: germline.

Fulgent Genetics
Classification: Likely benign for Naxos disease; Arrhythmogenic right ventricular dysplasia 12. Last evaluated: 2021-09-24. Review status: criteria provided, single submitter. Criteria: ACMG Guidelines, 2015. Collection method: clinical testing. Allele origin: unknown.

GeneDx
Classification: Likely benign. Last evaluated: 2020-10-06. Review status: criteria provided, single submitter. Criteria: GeneDx Variant Classification Process June 2021. Collection method: clinical testing. Allele origin: germline. Affected: yes.

Center for Advanced Laboratory Medicine, UC San Diego Health, University of California San Diego
Classification: Benign for Cardiomyopathy; Hypertrophic cardiomyopathy. Last evaluated: 2019-03-15. Review status: criteria provided, single submitter. Criteria: ACMG Guidelines, 2015. Collection method: clinical testing. Allele origin: germline. Affected: yes. Observed: 2 variant alleles.

Laboratory for Molecular Medicine, Mass General Brigham Personalized Medicine
Classification: Benign. Last evaluated: 2012-12-06. Review status: criteria provided, single submitter. Criteria: LMM Criteria. Collection method: clinical testing. Allele origin: germline. Observed: 3 variant alleles.
Comment: Ile687Val in exon 13 of JUP: This variant is not expected to have clinical signi ficance because it has been identified in 4.2% (8/192) of Kenyan chromosomes fro m a broad population by the 1000 Genomes project (dbSNP rs138366708).

Breakthrough Genomics
Classification: Likely benign. Review status: criteria provided, single submitter. Criteria: ACMG Guidelines, 2015. Collection method: not provided. Allele origin: germline. Inheritance: Autosomal recessive inheritance. Affected: yes.

PreventionGenetics, part of Exact Sciences
Classification: Likely benign for JUP-related condition. Last evaluated: 2023-10-19. Review status: no assertion criteria provided. Collection method: clinical testing. Allele origin: germline. Not counted in ClinVar's aggregate classification.
Comment: This variant is classified as likely benign based on ACMG/AMP sequence variant interpretation guidelines (Richards et al. 2015 PMID: 25741868, with internal and published modifications).

Clinical Genetics DNA and cytogenetics Diagnostics Lab, Erasmus MC, Erasmus Medical Center
Classification: Likely benign. Review status: no assertion criteria provided. Collection method: clinical testing. Allele origin: germline. Affected: yes. Study: VKGL Data-share Consensus. Not counted in ClinVar's aggregate classification.

Clinical Genetics, Academic Medical Center
Classification: Benign. Review status: no assertion criteria provided. Collection method: clinical testing. Allele origin: germline. Affected: yes. Study: VKGL Data-share Consensus. Not counted in ClinVar's aggregate classification.